The following is an entry in ClinVar:

NM_012418.4(FSCN2):c.1367G>A (p.Arg456His)

Gene: FSCN2 (fascin actin-bundling protein 2, retinal; plus strand). Cytogenetic location: 17q25.3.
Variant type: single nucleotide variant.
Coding change: c.1367G>A on transcript NM_012418.4 (MANE Select); coding-DNA position 1367, G replaced by A.
Protein change: p.Arg456His; replaces arginine 456 with histidine.
Molecular consequence: missense variant.
Genome position (GRCh38, 1-based): chr17:81,536,968, G>A. VCF-style: chr17-81536968-G-A. GRCh37 (hg19) VCF-style: chr17-79503994-G-A.
Other names: c.1439G>A, p.Arg480His (NM_001077182.3); short protein forms R456H, R480H.
Identifiers: ClinVar variation 738630 (VCV000738630.17), dbSNP rs536571342, ClinGen allele CA8837125.

ClinVar aggregate classification (germline): Benign. Review status: criteria provided, multiple submitters, no conflicts (2 of 4 stars). 2 submissions from 2 submitters: Benign (2). Last evaluated 2026-02-01.

Allele frequency attached by ClinVar (database versions not stated): gnomAD 0.00002 and 0.00051; TOPMed 0.00009; gnomAD exomes 0.00085 and 0.00237; 1000 Genomes Project 30x 0.00422; ExAC 0.00492; 1000 Genomes Project 0.00539.
gnomAD v4.1: 1,269 of 1,546,422 alleles (0.082%); highest among the groups gnomAD compares: South Asian, 1.4%; 26 homozygotes.

Submissions (2):

Labcorp Genetics (formerly Invitae), Labcorp
Classification: Benign. Last evaluated: 2026-02-01. Review status: criteria provided, single submitter. Criteria: Invitae Variant Classification Sherloc (09022015). Collection method: clinical testing. Allele origin: germline.

CeGaT Center for Human Genetics Tuebingen
Classification: Benign. Last evaluated: 2025-11-01. Review status: criteria provided, single submitter. Criteria: CeGaT Center For Human Genetics Tuebingen Variant Classification Criteria Version 2. Collection method: clinical testing. Allele origin: germline. Affected: yes. Observed: 1 variant allele.
Comment: FSCN2: BS1, BS2